The following is an entry in ClinVar:

ClinVar aggregate classification (germline): Pathogenic (1 of 4 stars; one submission).

Conditions:
Propionic acidemia (PROP). Also called: GLYCINEMIA, KETOTIC; HYPERGLYCINEMIA WITH KETOACIDOSIS AND LEUKOPENIA; KETOTIC HYPERGLYCINEMIA. Identifiers: Orphanet 35, MedGen C0268579, MONDO:0011628, OMIM 606054, HP:0003571.

Submission:

Labcorp Genetics (formerly Invitae), Labcorp
Classification: Pathogenic for Propionic acidemia. Last evaluated: 2021-12-22. Review status: criteria provided, single submitter. Criteria: Invitae Variant Classification Sherloc (09022015). Collection method: clinical testing. Allele origin: germline.
Comment: This sequence change creates a premature translational stop signal (p.Tyr405*) in the PCCB gene. It is expected to result in an absent or disrupted protein product. Loss-of-function variants in PCCB are known to be pathogenic (PMID: 15464417). For these reasons, this variant has been classified as Pathogenic. ClinVar contains an entry for this variant (Variation ID: 1073244). This variant has not been reported in the literature in individuals affected with PCCB-related conditions. This variant is not present in population databases (gnomAD no frequency).

Literature cited by the submitters: PubMed 15464417.

NM_000532.5(PCCB):c.1214dup (p.Tyr405Ter)

Gene: PCCB (propionyl-CoA carboxylase subunit beta; plus strand). Cytogenetic location: 3q22.3.
Variant type: Duplication.
Coding change: c.1214dup on transcript NM_000532.5 (MANE Select); coding-DNA position 1214, one base duplicated (A; older notation c.1214dupA).
Protein change: p.Tyr405Ter; replaces tyrosine 405 with a stop codon.
Molecular consequence: nonsense.
Genome position (GRCh38, 1-based): chr3:136,327,170, A duplicated. VCF-style (leftmost placement, unchanged base first): chr3-136327169-T-TA. GRCh37 (hg19) VCF-style: chr3-136046011-T-TA.
Other names: c.1274dup, p.Tyr425Ter (NM_001178014.2); short protein forms Y405*, Y425*.
Identifiers: ClinVar variation 1073244 (VCV001073244.8), dbSNP rs2108238365, ClinGen allele CA2499216506.
Genomic context (GRCh38, chr3:136,327,169, plus strand): 5'-CCATGTGAGGACTTGTGGGTATCTAGTAACTCTTCCTCATGTCTAGGCACAGCACAGGAA[T>TA]ACGGGGGCATCATCCGGCATGGTGCCAAGCTTCTCTACGCATTTGCTGAGGCAACTGTAC-3'